The following is an entry in ClinVar:

ClinVar aggregate classification (germline): Uncertain significance (1 of 4 stars; one submission).

Conditions:
Primary ciliary dyskinesia. Also called: Ciliary dyskinesia. Identifiers: Orphanet 244, MedGen C0008780, MONDO:0016575, HP:0012265.

Allele frequency attached by ClinVar (database versions not stated): gnomAD exomes 0.00001 and 0.00002; ExAC 0.00002; gnomAD 0.00002 and 0.00004.
gnomAD v4.1: 30 of 1,612,906 alleles (0.0019%); highest among the groups gnomAD compares: Middle Eastern, 0.083%; no homozygotes.

Submission:

Labcorp Genetics (formerly Invitae), Labcorp
Classification: Uncertain significance for Primary ciliary dyskinesia. Last evaluated: 2024-12-24. Review status: criteria provided, single submitter. Criteria: Invitae Variant Classification Sherloc (09022015). Collection method: clinical testing. Allele origin: germline.
Comment: This sequence change replaces leucine, which is neutral and non-polar, with phenylalanine, which is neutral and non-polar, at codon 1709 of the DNAH8 protein (p.Leu1709Phe). This variant is present in population databases (rs767897929, gnomAD 0.003%). This variant has not been reported in the literature in individuals affected with DNAH8-related conditions. ClinVar contains an entry for this variant (Variation ID: 1514683). Experimental studies and prediction algorithms are not available or were not evaluated, and the functional significance of this variant is currently unknown. In summary, the available evidence is currently insufficient to determine the role of this variant in disease. Therefore, it has been classified as a Variant of Uncertain Significance.

NM_001206927.2(DNAH8):c.5125C>T (p.Leu1709Phe)

Gene: DNAH8 (dynein axonemal heavy chain 8; plus strand). Cytogenetic location: 6p21.2.
Variant type: single nucleotide variant.
Coding change: c.5125C>T on transcript NM_001206927.2 (MANE Select); coding-DNA position 5125, C replaced by T.
Protein change: p.Leu1709Phe; replaces leucine 1709 with phenylalanine.
Molecular consequence: missense variant.
Genome position (GRCh38, 1-based): chr6:38,848,727, C>T. VCF-style: chr6-38848727-C-T. GRCh37 (hg19) VCF-style: chr6-38816503-C-T.
Other names: c.4474C>T, p.Leu1492Phe (NM_001371.4); short protein forms L1492F, L1709F.
Identifiers: ClinVar variation 1514683 (VCV001514683.6), dbSNP rs767897929, ClinGen allele CA3789286.